The following is an entry in ClinVar:

NM_000414.4(HSD17B4):c.1204G>A (p.Ala402Thr)

Gene: HSD17B4 (hydroxysteroid 17-beta dehydrogenase 4; plus strand). Cytogenetic location: 5q23.1.
Variant type: single nucleotide variant.
Coding change: c.1204G>A on transcript NM_000414.4 (MANE Select); coding-DNA position 1204, G replaced by A.
Protein change: p.Ala402Thr; replaces alanine 402 with threonine.
Molecular consequence: missense variant.
Genome position (GRCh38, 1-based): chr5:119,499,548, G>A. VCF-style: chr5-119499548-G-A. GRCh37 (hg19) VCF-style: chr5-118835243-G-A.
Other names: c.1279G>A, p.Ala427Thr (NM_001199291.3); c.1150G>A, p.Ala384Thr (NM_001199292.2); c.1132G>A, p.Ala378Thr (NM_001292027.2); c.784G>A, p.Ala262Thr (NM_001292028.2); short protein forms A402T, A262T, A384T, A427T, A378T.
Identifiers: ClinVar variation 597218 (VCV000597218.6), dbSNP rs780430704, ClinGen allele CA3382108.

ClinVar aggregate classification (germline): Uncertain significance. Review status: criteria provided, multiple submitters, no conflicts (2 of 4 stars). 2 submissions from 2 submitters: Uncertain significance (2). Last evaluated 2022-03-10.

Conditions:
Perrault syndrome. Also called: Gonadal dysgenesis with auditory dysfunction, autosomal recessive inheritance. Identifiers: Orphanet 2855, MedGen C0685838, MONDO:0017312.
Bifunctional peroxisomal enzyme deficiency (DBIF). Also called: D-bifunctional protein deficiency; PBFE DEFICIENCY; DBP DEFICIENCY. Identifiers: Orphanet 300, MedGen C0342870, MONDO:0009855, OMIM 261515. Disease mechanism: loss of function.

Allele frequency attached by ClinVar (database versions not stated): gnomAD exomes below 0.00001 and 0.00001; ExAC 0.00002; gnomAD 0.00007 and 0.00008; TOPMed 0.00011.
gnomAD v4.1: 16 of 1,579,632 alleles (0.001%); highest among the groups gnomAD compares: African/African-American, 0.02%; no homozygotes.

Submissions (2):

Labcorp Genetics (formerly Invitae), Labcorp
Classification: Uncertain significance for Perrault syndrome; Bifunctional peroxisomal enzyme deficiency. Last evaluated: 2022-03-10. Review status: criteria provided, single submitter. Criteria: Invitae Variant Classification Sherloc (09022015). Collection method: clinical testing. Allele origin: germline.
Comment: This sequence change replaces alanine, which is neutral and non-polar, with threonine, which is neutral and polar, at codon 402 of the HSD17B4 protein (p.Ala402Thr). This variant is present in population databases (rs780430704, gnomAD 0.03%). This variant has not been reported in the literature in individuals affected with HSD17B4-related conditions. ClinVar contains an entry for this variant (Variation ID: 597218). Advanced modeling of protein sequence and biophysical properties (such as structural, functional, and spatial information, amino acid conservation, physicochemical variation, residue mobility, and thermodynamic stability) performed at Invitae indicates that this missense variant is not expected to disrupt HSD17B4 protein function. In summary, the available evidence is currently insufficient to determine the role of this variant in disease. Therefore, it has been classified as a Variant of Uncertain Significance.

Eurofins Ntd Llc (ga)
Classification: Uncertain significance. Last evaluated: 2018-05-15. Review status: criteria provided, single submitter. Criteria: EGL ClinVar v180209 classification definitions. Collection method: clinical testing. Allele origin: germline. Observed: 1 variant allele, 1 heterozygote.